The following is an entry in ClinVar:

NM_005554.4(KRT6A):c.510CAA[2] (p.Asn172del)

Gene: KRT6A (keratin 6A; minus strand). Cytogenetic location: 12q13.13.
Variant type: Microsatellite.
Coding change: c.510CAA[2] on transcript NM_005554.4 (MANE Select); two copies in a row of the 3-base unit CAA starting at c.510; the reference has three copies in a row; one copy, 3 bases deleted; also written c.516_518del.
Protein change: p.Asn172del; deletes asparagine 172.
Molecular consequence: inframe deletion.
Genome position (GRCh38, 1-based): chr12:52,492,671-52,492,673, TTG deleted on the plus strand (CAA on the coding strand, the reverse complement: KRT6A is on the minus strand); deleting any 3 consecutive bases within chr12:52,492,671-52,492,679 gives the same sequence; the position shown is the placement nearest the transcript's 3' end. VCF-style (leftmost placement, unchanged base first): chr12-52492670-CTTG-C. GRCh37 (hg19) VCF-style: chr12-52886454-CTTG-C.
Other names: 514_516delAAC; c.514_516delAAC (NM_005554.3); c.516_518del (NM_005554.4); short protein forms N172del.
Identifiers: ClinVar variation 14634 (VCV000014634.11), dbSNP rs606231214, ClinGen allele CA217357.

ClinVar aggregate classification (germline): Pathogenic. Review status: criteria provided, multiple submitters, no conflicts (2 of 4 stars). 7 submissions from 7 submitters: Pathogenic (4). 3 of the submissions do not count toward it. Last evaluated 2024-04-20.

Conditions:
KRT6A-related disorders.
Pachyonychia congenita 3 (PC3). Also called: KRT6A-Related Pachyonychia Congenita; PC-K6a. Identifiers: Orphanet 2309, MedGen C3714948, MONDO:0014324, OMIM 615726.

Submissions (7):

Fulgent Genetics
Classification: Pathogenic for Pachyonychia congenita 3. Last evaluated: 2024-04-20. Review status: criteria provided, single submitter. Criteria: ACMG Guidelines, 2015. Collection method: clinical testing. Allele origin: germline.

GeneDx
Classification: Pathogenic. Last evaluated: 2024-04-15. Review status: criteria provided, single submitter. Criteria: GeneDx Variant Classification Process June 2021. Collection method: clinical testing. Allele origin: germline. Affected: yes.
Comment: In-frame deletion of one amino acid within the highly conserved helix initiation motif at the beginning of the 1A segment of the rod domain, which is intolerant to change and a known mutation hotspot (PMID: 21176769); Not observed at significant frequency in large population cohorts (gnomAD); In silico analysis supports a deleterious effect on protein structure/function; This variant is associated with the following publications: (PMID: 27183391, 10232401, 11886499, 7545493, 21554383, 21326300, 19416275, 21576551, 28411774, 31777952, 31823354, 36658016, 24611874)

Clinical Genetics Laboratory, Skane University Hospital Lund
Classification: Pathogenic. Last evaluated: 2023-08-18. Review status: criteria provided, single submitter. Criteria: ACMG Guidelines, 2015. Collection method: clinical testing. Allele origin: germline. Affected: yes.

Blueprint Genetics
Classification: Pathogenic for KRT6A-related disorders. Last evaluated: 2023-02-15. Review status: criteria provided, single submitter. Criteria: ACMG Guidelines, 2015. Collection method: clinical testing. Allele origin: germline. Affected: yes. Observed: 1 variant allele.

OMIM
Classification: Pathogenic for PACHYONYCHIA CONGENITA 3. Last evaluated: 2005-10-01. Review status: no assertion criteria provided. Collection method: literature only. Allele origin: unknown. Not counted in ClinVar's aggregate classification.

Epithelial Biology;  Institute of Medical Biology, Singapore
No classification provided. Review status: no classification provided. Collection method: not provided. Allele origin: not provided. Not counted in ClinVar's aggregate classification.

GeneReviews
No classification provided. Condition: Pachyonychia congenita 3. Review status: no classification provided. Collection method: literature only. Allele origin: germline. Affected: yes. Not counted in ClinVar's aggregate classification.

Literature cited by the submitters: PubMed 24611874 (cited by OMIM); PubMed 7545493 (cited by OMIM); PubMed 11886499 (cited by OMIM); PubMed 7493030 (cited by OMIM); PubMed 16250206 (cited by OMIM); NCBI Bookshelf NBK1280 (cited by GeneReviews).